The following is an entry in ClinVar:

ClinVar aggregate classification (germline): Uncertain significance. Review status: criteria provided, multiple submitters, no conflicts (2 of 4 stars). 4 submissions from 4 submitters: Uncertain significance (4). Last evaluated 2026-02-09.

Conditions:
Polycystic kidney disease 8. Identifiers: MedGen C5935640, MONDO:0971178, OMIM 620903.
Nephronophthisis 9 (NPHP9). Identifiers: Orphanet 655, MedGen C3151188, MONDO:0013444, OMIM 613824.
Renal-hepatic-pancreatic dysplasia 2 (RHPD2). Identifiers: MedGen C3809434, MONDO:0014174, OMIM 615415.
Inborn genetic diseases. Identifiers: MedGen C0950123, MeSH D030342.
NEK8-related disorder. Also called: NEK8-related condition.

Allele frequency attached by ClinVar (database versions not stated): ESP Exome Variant Server 0.00008; gnomAD 0.00009; TOPMed 0.00009; ExAC 0.00011; 1000 Genomes Project 30x 0.00016; 1000 Genomes Project 0.00020.
gnomAD v4.1: 180 of 1,612,964 alleles (0.011%); highest among the groups gnomAD compares: South Asian, 0.043%; no homozygotes.

Submissions (4):

PreventionGenetics, part of Exact Sciences
Classification: Uncertain significance for NEK8-related condition. Last evaluated: 2026-02-09. Review status: criteria provided, single submitter. Criteria: ACMG Guidelines, 2015. Collection method: clinical testing. Allele origin: germline.
Comment: The NEK8 c.779G>A variant is predicted to result in the amino acid substitution p.Arg260His. To our knowledge, this variant has not been reported in the literature. This variant is reported in 0.042% of alleles in individuals of South Asian descent in gnomAD. At this time, the clinical significance of this variant is uncertain due to the absence of conclusive functional and genetic evidence.

Labcorp Genetics (formerly Invitae), Labcorp
Classification: Uncertain significance for Nephronophthisis 9. Last evaluated: 2025-10-27. Review status: criteria provided, single submitter. Criteria: Invitae Variant Classification Sherloc (09022015). Collection method: clinical testing. Allele origin: germline.
Comment: This sequence change replaces arginine, which is basic and polar, with histidine, which is basic and polar, at codon 260 of the NEK8 protein (p.Arg260His). This variant is present in population databases (rs61745003, gnomAD 0.04%). This variant has not been reported in the literature in individuals affected with NEK8-related conditions. ClinVar contains an entry for this variant (Variation ID: 2041112). An algorithm developed to predict the effect of missense changes on protein structure and function (PolyPhen-2) suggests that this variant is likely to be tolerated. In summary, the available evidence is currently insufficient to determine the role of this variant in disease. Therefore, it has been classified as a Variant of Uncertain Significance.

Ambry Genetics
Classification: Uncertain significance for Inborn genetic diseases. Last evaluated: 2025-04-17. Review status: criteria provided, single submitter. Criteria: Ambry Variant Classification Scheme 2023. Collection method: clinical testing. Allele origin: germline.

Fulgent Genetics
Classification: Uncertain significance for Nephronophthisis 9; Renal-hepatic-pancreatic dysplasia 2; Polycystic kidney disease 8. Last evaluated: 2024-06-04. Review status: criteria provided, single submitter. Criteria: ACMG Guidelines, 2015. Collection method: clinical testing. Allele origin: germline.

NM_178170.3(NEK8):c.779G>A (p.Arg260His)

Gene: NEK8 (NIMA related kinase 8; plus strand). Cytogenetic location: 17q11.2.
Variant type: single nucleotide variant.
Coding change: c.779G>A on transcript NM_178170.3 (MANE Select); coding-DNA position 779, G replaced by A.
Protein change: p.Arg260His; replaces arginine 260 with histidine.
Molecular consequence: missense variant.
Genome position (GRCh38, 1-based): chr17:28,737,466, G>A. VCF-style: chr17-28737466-G-A. GRCh37 (hg19) VCF-style: chr17-27064484-G-A.
Other names: short protein forms R260H.
Identifiers: ClinVar variation 2041112 (VCV002041112.7), dbSNP rs61745003, ClinGen allele CA8467161.